The following is an entry in ClinVar:

ClinVar aggregate classification (germline): Benign/Likely benign. Review status: criteria provided, multiple submitters, no conflicts (2 of 4 stars). 3 submissions from 3 submitters: Benign (1); Likely benign (2). Last evaluated 2025-05-13.

Conditions:
Hereditary cancer-predisposing syndrome. Also called: Neoplastic Syndromes, Hereditary; Hereditary neoplastic syndrome; Hereditary Cancer Syndrome; Tumor predisposition. Identifiers: Orphanet 140162, MedGen C0027672, MeSH D009386, MONDO:0015356.
Tuberous sclerosis 2 (TSC2). Identifiers: Orphanet 805, MedGen C1860707, MONDO:0013199, OMIM 613254.

Allele frequency attached by ClinVar (database versions not stated): gnomAD exomes below 0.00001; gnomAD 0.00001; TOPMed 0.00001.
gnomAD v4.1: 2 of 1,614,084 alleles (0.00012%); highest among the groups gnomAD compares: African/African-American, 0.0027%; no homozygotes.

Submissions (3):

Myriad Genetics, Inc.
Classification: Benign for Tuberous sclerosis 2. Last evaluated: 2025-05-13. Review status: criteria provided, single submitter. Criteria: Myriad Autosomal Dominant, Autosomal Recessive and X-Linked Classification Criteria (2023). Collection method: clinical testing. Allele origin: unknown.
Comment: This variant is considered benign. This variant is a silent/synonymous amino acid change and it is not expected to impact splicing.

Labcorp Genetics (formerly Invitae), Labcorp
Classification: Likely benign for Tuberous sclerosis 2. Last evaluated: 2024-07-13. Review status: criteria provided, single submitter. Criteria: Invitae Variant Classification Sherloc (09022015). Collection method: clinical testing. Allele origin: germline.

Ambry Genetics
Classification: Likely benign for Hereditary cancer-predisposing syndrome. Last evaluated: 2018-11-29. Review status: criteria provided, single submitter. Criteria: Ambry Variant Classification Scheme 2023. Collection method: clinical testing. Allele origin: germline.

NM_000548.5(TSC2):c.1164G>A (p.Leu388=)

Gene: TSC2 (TSC complex subunit 2; plus strand). Cytogenetic location: 16p13.3.
Variant type: single nucleotide variant.
Coding change: c.1164G>A on transcript NM_000548.5 (MANE Select); coding-DNA position 1164, G replaced by A.
Protein change: p.Leu388=; no amino-acid change (leucine 388 retained).
Molecular consequence: synonymous variant.
Genome position (GRCh38, 1-based): chr16:2,061,915, G>A. VCF-style: chr16-2061915-G-A. GRCh37 (hg19) VCF-style: chr16-2111916-G-A.
Other names: c.1164G>A, p.Leu388= (NM_001370405.1, NM_021055.3, NM_001077183.3 and 3 more transcripts); c.1053G>A, p.Leu351= (NM_001318827.2); c.1017G>A, p.Leu339= (NM_001318829.2); c.564G>A, p.Leu188= (NM_001318831.2); c.1197G>A, p.Leu399= (NM_001318832.2).
Identifiers: ClinVar variation 1086816 (VCV001086816.12), dbSNP rs1416852086, ClinGen allele CA492961803.